The following is an entry in ClinVar:

NM_198578.4(LRRK2):c.2650G>A (p.Asp884Asn)

Gene: LRRK2 (leucine rich repeat kinase 2; plus strand). Cytogenetic location: 12q12.
Variant type: single nucleotide variant.
Coding change: c.2650G>A on transcript NM_198578.4 (MANE Select); coding-DNA position 2650, G replaced by A.
Protein change: p.Asp884Asn; replaces aspartic acid 884 with asparagine.
Molecular consequence: missense variant.
Genome position (GRCh38, 1-based): chr12:40,287,500, G>A. VCF-style: chr12-40287500-G-A. GRCh37 (hg19) VCF-style: chr12-40681302-G-A.
Other names: short protein forms D884N.
Identifiers: ClinVar variation 3291847 (VCV003291847.1).
Genomic context (GRCh38, chr12:40,287,500, plus strand): 5'-TTTTCTGAAGATGTGCTGTCTAAATTTGATGAATGGACCTTTATTCCTGACTCTTCTATG[G>A]ACAGTGTGTTTGCTCAAAGTGATGACCTGGATAGTGAAGGTATTTATTATAAAAAAAAAC-3'
Protein context (NP_940980.4, residues 874-894): EWTFIPDSSM[Asp884Asn]SVFAQSDDLD

ClinVar aggregate classification (germline): Uncertain significance (1 of 4 stars; one submission).

Conditions:
Inborn genetic diseases. Identifiers: MedGen C0950123, MeSH D030342.

Submission:

Ambry Genetics
Classification: Uncertain significance for Inborn genetic diseases. Last evaluated: 2024-04-10. Review status: criteria provided, single submitter. Criteria: Ambry Variant Classification Scheme 2023. Collection method: clinical testing. Allele origin: germline.
Comment: The p.D884N variant (also known as c.2650G>A), located in coding exon 20 of the LRRK2 gene, results from a G to A substitution at nucleotide position 2650. The aspartic acid at codon 884 is replaced by asparagine, an amino acid with highly similar properties. This amino acid position is conserved. In addition, this alteration is predicted to be tolerated by in silico analysis. Based on the available evidence, the clinical significance of this variant remains unclear.